The following is an entry in ClinVar:

NM_015512.5(DNAH1):c.5434A>G (p.Ile1812Val)

Gene: DNAH1 (dynein axonemal heavy chain 1; plus strand). Cytogenetic location: 3p21.1.
Variant type: single nucleotide variant.
Coding change: c.5434A>G on transcript NM_015512.5 (MANE Select); coding-DNA position 5434, A replaced by G.
Protein change: p.Ile1812Val; replaces isoleucine 1812 with valine.
Molecular consequence: missense variant.
Genome position (GRCh38, 1-based): chr3:52,364,935, A>G. VCF-style: chr3-52364935-A-G. GRCh37 (hg19) VCF-style: chr3-52398951-A-G.
Other names: c.5434A>G (NM_015512.4); short protein forms I1812V.
Identifiers: ClinVar variation 3763641 (VCV003763641.2).

ClinVar aggregate classification (germline): Uncertain significance. Review status: criteria provided, multiple submitters, no conflicts (2 of 4 stars). 2 submissions from 2 submitters: Uncertain significance (2). Last evaluated 2025-08-28.

Conditions:
Spermatogenic failure 18. Identifiers: MedGen C4539783, MONDO:0054615, OMIM 617576.
Ciliary dyskinesia, primary, 37 (CILD37). Also called: CILIARY DYSKINESIA, PRIMARY, 37, WITH OR WITHOUT SITUS INVERSUS. Identifiers: MedGen C4539798, MONDO:0033204, OMIM 617577.

gnomAD v4.1: 56 of 1,613,804 alleles (0.0035%); highest among the groups gnomAD compares: African/African-American, 0.0053%; no homozygotes.

Submissions (2):

Ambry Genetics
Classification: Uncertain significance. Last evaluated: 2025-08-28. Review status: criteria provided, single submitter. Criteria: Ambry Variant Classification Scheme 2023. Collection method: clinical testing. Allele origin: germline.

Labcorp Genetics (formerly Invitae), Labcorp
Classification: Uncertain significance for Ciliary dyskinesia, primary, 37; Spermatogenic failure 18. Last evaluated: 2024-11-11. Review status: criteria provided, single submitter. Criteria: Invitae Variant Classification Sherloc (09022015). Collection method: clinical testing. Allele origin: germline.
Comment: This sequence change replaces isoleucine, which is neutral and non-polar, with valine, which is neutral and non-polar, at codon 1812 of the DNAH1 protein (p.Ile1812Val). This variant is present in population databases (rs776062089, gnomAD 0.007%). This variant has not been reported in the literature in individuals affected with DNAH1-related conditions. Invitae Evidence Modeling of protein sequence and biophysical properties (such as structural, functional, and spatial information, amino acid conservation, physicochemical variation, residue mobility, and thermodynamic stability) indicates that this missense variant is not expected to disrupt DNAH1 protein function with a negative predictive value of 80%. In summary, the available evidence is currently insufficient to determine the role of this variant in disease. Therefore, it has been classified as a Variant of Uncertain Significance.